The following is an entry in ClinVar:

NM_001134831.2(AHI1):c.3427-8_3427-6del

Gene: AHI1 (Abelson helper integration site 1; minus strand). Cytogenetic location: 6q23.3.
Variant type: Microsatellite.
Coding change: c.3427-8_3427-6del on transcript NM_001134831.2 (MANE Select); 8 bases into the intron before coding-DNA position 3427 through 6 bases into the intron before coding-DNA position 3427, 3 bases deleted (TTC; older notation c.3427-8_3427-6delTTC).
Molecular consequence: intron variant.
Genome position (GRCh38, 1-based): chr6:135,300,564-135,300,566, GAA deleted on the plus strand (TTC on the coding strand, the reverse complement: AHI1 is on the minus strand); deleting any 3 consecutive bases within chr6:135,300,564-135,300,571 gives the same sequence; the c. name uses the placement nearest the transcript's 3' end. VCF-style (leftmost placement, unchanged base first): chr6-135300563-GGAA-G. GRCh37 (hg19) VCF-style: chr6-135621701-GGAA-G.
Other names: c.3427-8_3427-6del (NM_017651.5, NM_001350504.2, NM_001134830.2 and 1 more transcripts); c.3427-8_3427-6delTTC (NM_017651.4).
Identifiers: ClinVar variation 1081794 (VCV001081794.14), dbSNP rs559510247, ClinGen allele CA4012003.
Genomic context (GRCh38, chr6:135,300,563, plus strand): 5'-GTCATAGATTCTGAGCCTAGTCTGAAGTCCTGGGACTTGTTCTTATTGATTGATTGCTGT[GGAA>G]GAAGAGGAAAAACAAGTAGTAAGTAAAAAATGAGAAAAGACAACACAGTCAATATTCACA-3'

ClinVar aggregate classification (germline): Likely benign. Review status: criteria provided, multiple submitters, no conflicts (2 of 4 stars). 4 submissions from 4 submitters: Likely benign (4). Last evaluated 2026-09-01.

Conditions:
Joubert syndrome. Also called: JOUBERT-BOLTSHAUSER SYNDROME; Familial aplasia of the vermis. Identifiers: Orphanet 475, MedGen C5979921, MONDO:0018772.
AHI1-related disorder. Also called: AHI1-related condition.

Submissions (4):

CeGaT Center for Human Genetics Tuebingen
Classification: Likely benign. Last evaluated: 2026-09-01. Review status: criteria provided, single submitter. Criteria: CeGaT Center For Human Genetics Tuebingen Variant Classification Criteria Version 2. Collection method: clinical testing. Allele origin: germline. Affected: yes. Observed: 1 variant allele.
Comment: AHI1: BP4

PreventionGenetics, part of Exact Sciences
Classification: Likely benign for AHI1-related condition. Last evaluated: 2026-01-13. Review status: criteria provided, single submitter. Criteria: ACMG Guidelines, 2015. Collection method: clinical testing. Allele origin: germline.
Comment: This variant is classified as likely benign based on ACMG/AMP sequence variant interpretation guidelines (Richards et al. 2015 PMID: 25741868, with internal and published modifications).

Labcorp Genetics (formerly Invitae), Labcorp
Classification: Likely benign for Joubert syndrome. Last evaluated: 2025-12-17. Review status: criteria provided, single submitter. Criteria: Invitae Variant Classification Sherloc (09022015). Collection method: clinical testing. Allele origin: germline.

GeneDx
Classification: Likely benign. Last evaluated: 2019-11-11. Review status: criteria provided, single submitter. Criteria: GeneDx Variant Classification Process June 2021. Collection method: clinical testing. Allele origin: germline. Affected: yes.